The following is an entry in ClinVar:

ClinVar aggregate classification (germline): Benign. Review status: criteria provided, multiple submitters, no conflicts (2 of 4 stars). 2 submissions from 2 submitters: Benign (2). Last evaluated 2018-06-20.

Allele frequency attached by ClinVar (database versions not stated): gnomAD 0.27833 and 0.29057; 1000 Genomes Project 0.37400; TOPMed 0.28368; gnomAD exomes 0.33972; 1000 Genomes Project 30x 0.36337.
gnomAD v4.1: 208,731 of 638,542 alleles (33%); highest among the groups gnomAD compares: East Asian, 65%; 38,175 homozygotes.

Submissions (6):

GeneDx
Classification: Benign. Last evaluated: 2018-06-20. Review status: criteria provided, single submitter. Criteria: GeneDx Variant Classification (06012015). Collection method: clinical testing. Allele origin: germline. Affected: yes.
Comment: This variant is considered likely benign or benign based on one or more of the following criteria: it is a conservative change, it occurs at a poorly conserved position in the protein, it is predicted to be benign by multiple in silico algorithms, and/or has population frequency not consistent with disease.

Breakthrough Genomics
Classification: Benign. Review status: criteria provided, single submitter. Criteria: ACMG Guidelines, 2015. Collection method: not provided. Allele origin: germline. Inheritance: Autosomal dominant inheritance. Affected: yes.

Dr. Peter K. Rogan Lab, Western University
No classification provided (evidence only). Condition: Malignant lymphoma, large B-cell, diffuse. Review status: no classification provided. Collection method: in vitro. Allele origin: not applicable. Functional consequence: retained intron. Not counted in ClinVar's aggregate classification.

Dr. Peter K. Rogan Lab, Western University
No classification provided (evidence only). Condition: Cholangiocarcinoma. Review status: no classification provided. Collection method: in vitro. Allele origin: not applicable. Functional consequence: skipped exon, retained intron. Not counted in ClinVar's aggregate classification.

Dr. Peter K. Rogan Lab, Western University
No classification provided (evidence only). Condition: Uterine carcinosarcoma. Review status: no classification provided. Collection method: in vitro. Allele origin: not applicable. Functional consequence: retained intron. Not counted in ClinVar's aggregate classification.

Dr. Peter K. Rogan Lab, Western University
No classification provided (evidence only). Condition: Uterine carcinosarcoma. Review status: no classification provided. Collection method: in vitro. Allele origin: not applicable. Functional consequence: retained intron. Not counted in ClinVar's aggregate classification.

NM_004984.4(KIF5A):c.3020+235C>G

Gene: KIF5A (kinesin family member 5A; plus strand). Cytogenetic location: 12q13.3.
Variant type: single nucleotide variant.
Coding change: c.3020+235C>G on transcript NM_004984.4 (MANE Select); 235 bases into the intron after coding-DNA position 3020, C replaced by G.
Molecular consequence: intron variant.
Genome position (GRCh38, 1-based): chr12:57,582,864, C>G. VCF-style: chr12-57582864-C-G. GRCh37 (hg19) VCF-style: chr12-57976647-C-G.
Other names: NC_000012.11:g.57976647C>G; c.2753+235C>G (NM_001354705.2).
Identifiers: ClinVar variation 682878 (VCV000682878.3), dbSNP rs2888334, ClinGen allele CA13590355.